The following is an entry in ClinVar:

NM_000059.4(BRCA2):c.3888T>G (p.Asn1296Lys)

Gene: BRCA2 (BRCA2 DNA repair associated; plus strand). Cytogenetic location: 13q13.1.
Variant type: single nucleotide variant.
Coding change: c.3888T>G on transcript NM_000059.4 (MANE Select); coding-DNA position 3888, T replaced by G.
Protein change: p.Asn1296Lys; replaces asparagine 1296 with lysine.
Molecular consequence: missense variant.
Genome position (GRCh38, 1-based): chr13:32,338,243, T>G. VCF-style: chr13-32338243-T-G. GRCh37 (hg19) VCF-style: chr13-32912380-T-G.
Other names: short protein forms N1296K.
Identifiers: ClinVar variation 1345996 (VCV001345996.9), dbSNP rs2137500977, ClinGen allele CA387778761.

ClinVar aggregate classification (germline): Conflicting classifications of pathogenicity. Review status: criteria provided, conflicting classifications (1 of 4 stars). 2 submissions from 2 submitters: Uncertain significance (1); Likely benign (1). Last evaluated 2023-03-23.

Conditions:
Hereditary cancer-predisposing syndrome. Also called: Hereditary neoplastic syndrome; Tumor predisposition; Neoplastic Syndromes, Hereditary; Hereditary Cancer Syndrome. Identifiers: Orphanet 140162, MedGen C0027672, MeSH D009386, MONDO:0015356.
Hereditary breast ovarian cancer syndrome. Also called: Hereditary breast and ovarian cancer; Hereditary breast and/or ovarian cancer syndrome; Breast and ovarian cancer; BRCA1- and BRCA2-Associated Hereditary Breast and Ovarian Cancer; Hereditary breast and ovarian cancer syndrome; Hereditary breast and ovarian cancer syndrome (HBOC). Identifiers: Orphanet 145, MedGen C0677776, MeSH D061325, MONDO:0003582. Disease mechanism: loss of function.

Submissions (2):

University of Washington Department of Laboratory Medicine, University of Washington
Classification: Likely benign for Hereditary cancer-predisposing syndrome. Last evaluated: 2023-03-23. Review status: criteria provided, single submitter. Criteria: Dines et al. (Genet Med. 2020). Collection method: curation. Allele origin: germline.
Comment: Missense variant in a coldspot region where missense variants are very unlikely to be pathogenic (PMID:31911673).

BRCA2 exon 11 coldspot. Reclassification based on statistical prior probability.

Labcorp Genetics (formerly Invitae), Labcorp
Classification: Uncertain significance for Hereditary breast ovarian cancer syndrome. Last evaluated: 2021-04-16. Review status: criteria provided, single submitter. Criteria: Invitae Variant Classification Sherloc (09022015). Collection method: clinical testing. Allele origin: germline.
Comment: This sequence change replaces asparagine with lysine at codon 1296 of the BRCA2 protein (p.Asn1296Lys). The asparagine residue is weakly conserved and there is a moderate physicochemical difference between asparagine and lysine. In summary, the available evidence is currently insufficient to determine the role of this variant in disease. Therefore, it has been classified as a Variant of Uncertain Significance. Advanced modeling of protein sequence and biophysical properties (such as structural, functional, and spatial information, amino acid conservation, physicochemical variation, residue mobility, and thermodynamic stability) performed at Invitae indicates that this missense variant is not expected to disrupt BRCA2 protein function. This variant has not been reported in the literature in individuals with BRCA2-related conditions. This variant is not present in population databases (ExAC no frequency).